The following is an entry in ClinVar:

NM_006031.6(PCNT):c.6511C>G (p.Pro2171Ala)

Gene: PCNT (pericentrin; plus strand). Cytogenetic location: 21q22.3.
Variant type: single nucleotide variant.
Coding change: c.6511C>G on transcript NM_006031.6 (MANE Select); coding-DNA position 6511, C replaced by G.
Protein change: p.Pro2171Ala; replaces proline 2171 with alanine.
Molecular consequence: missense variant.
Genome position (GRCh38, 1-based): chr21:46,416,429, C>G. VCF-style: chr21-46416429-C-G. GRCh37 (hg19) VCF-style: chr21-47836343-C-G.
Other names: c.6157C>G, p.Pro2053Ala (NM_001315529.2); short protein forms P2053A, P2171A.
Identifiers: ClinVar variation 3355266 (VCV003355266.3).

ClinVar aggregate classification (germline): Uncertain significance. Review status: criteria provided, multiple submitters, no conflicts (2 of 4 stars). 2 submissions from 2 submitters: Uncertain significance (2). Last evaluated 2025-07-22.

Conditions:
Inborn genetic diseases. Identifiers: MedGen C0950123, MeSH D030342.
PCNT-related disorder. Also called: PCNT-related condition.

gnomAD v4.1: 7 of 1,614,052 alleles (0.00043%); highest among the groups gnomAD compares: African/African-American, 0.0093%; no homozygotes.

Submissions (2):

PreventionGenetics, part of Exact Sciences
Classification: Uncertain significance for PCNT-related condition. Last evaluated: 2025-07-22. Review status: criteria provided, single submitter. Criteria: ACMG Guidelines, 2015. Collection method: clinical testing. Allele origin: germline.
Comment: The PCNT c.6511C>G variant is predicted to result in the amino acid substitution p.Pro2171Ala. To our knowledge, this variant has not been reported in the literature. This variant is reported in 0.024% of alleles in individuals of African descent in gnomAD. At this time, the clinical significance of this variant is uncertain due to the absence of conclusive functional and genetic evidence.

Ambry Genetics
Classification: Uncertain significance for Inborn genetic diseases. Last evaluated: 2024-11-25. Review status: criteria provided, single submitter. Criteria: Ambry Variant Classification Scheme 2023. Collection method: clinical testing. Allele origin: germline.